The following is an entry in ClinVar:

NM_017780.4(CHD7):c.6828G>C (p.Met2276Ile)

Gene: CHD7 (chromodomain helicase DNA binding protein 7; plus strand). Cytogenetic location: 8q12.2.
Variant type: single nucleotide variant.
Coding change: c.6828G>C on transcript NM_017780.4 (MANE Select); coding-DNA position 6828, G replaced by C.
Protein change: p.Met2276Ile; replaces methionine 2276 with isoleucine.
Molecular consequence: missense variant. On other transcripts: intron variant (1).
Genome position (GRCh38, 1-based): chr8:60,854,415, G>C. VCF-style: chr8-60854415-G-C. GRCh37 (hg19) VCF-style: chr8-61766974-G-C.
Other names: c.1717-7814G>C (NM_001316690.1); short protein forms M2276I.
Identifiers: ClinVar variation 4746305 (VCV004746305.1).

ClinVar aggregate classification (germline): Uncertain significance (1 of 4 stars; one submission).

Conditions:
CHARGE syndrome (CHARGE). Also called: Hittner Hirsch Kreh syndrome; CHARGE ASSOCIATION--COLOBOMA, HEART ANOMALY, CHOANAL ATRESIA, RETARDATION, GENITAL AND EAR ANOMALIES; Coloboma, heart anomaly, choanal atresia, retardation, genital and ear anomalies; CHARGE association; Hall-Hittner syndrome. Identifiers: Orphanet 138, MedGen C0265354, MONDO:0008965.

Submission:

Labcorp Genetics (formerly Invitae), Labcorp
Classification: Uncertain significance for CHARGE syndrome. Last evaluated: 2025-04-13. Review status: criteria provided, single submitter. Criteria: Invitae Variant Classification Sherloc (09022015). Collection method: clinical testing. Allele origin: germline.
Comment: This sequence change replaces methionine, which is neutral and non-polar, with isoleucine, which is neutral and non-polar, at codon 2276 of the CHD7 protein (p.Met2276Ile). This variant is not present in population databases (gnomAD no frequency). This variant has not been reported in the literature in individuals affected with CHD7-related conditions. Invitae Evidence Modeling of protein sequence and biophysical properties (such as structural, functional, and spatial information, amino acid conservation, physicochemical variation, residue mobility, and thermodynamic stability) indicates that this missense variant is not expected to disrupt CHD7 protein function with a negative predictive value of 95%. In summary, the available evidence is currently insufficient to determine the role of this variant in disease. Therefore, it has been classified as a Variant of Uncertain Significance.